The following is an entry in ClinVar:

NM_001753.5(CAV1):c.512G>A (p.Arg171His)

Gene: CAV1 (caveolin 1; plus strand). Cytogenetic location: 7q31.2.
Variant type: single nucleotide variant.
Coding change: c.512G>A on transcript NM_001753.5 (MANE Select); coding-DNA position 512, G replaced by A.
Protein change: p.Arg171His; replaces arginine 171 with histidine.
Molecular consequence: missense variant.
Genome position (GRCh38, 1-based): chr7:116,559,262, G>A. VCF-style: chr7-116559262-G-A. GRCh37 (hg19) VCF-style: chr7-116199316-G-A.
Other names: c.419G>A, p.Arg140His (NM_001172897.2, NM_001172895.1, NM_001172896.2); short protein forms R140H, R171H.
Identifiers: ClinVar variation 650998 (VCV000650998.9), dbSNP rs772468332, ClinGen allele CA4447900.
Genomic context (GRCh38, chr7:116,559,262, plus strand): 5'-ACGTCCACACCGTCTGTGACCCACTCTTTGAAGCTGTTGGGAAAATATTCAGCAATGTCC[G>A]CATCAACTTGCAGAAAGAAATATAAATGACATTTCAAGGATAGAAGTATACCTGATTTTT-3'
Protein context (NP_001744.2, residues 161-178): EAVGKIFSNV[Arg171His]INLQKEI

ClinVar aggregate classification (germline): Uncertain significance. Review status: criteria provided, multiple submitters, no conflicts (2 of 4 stars). 2 submissions from 2 submitters: Uncertain significance (2). Last evaluated 2022-06-13.

Conditions:
Pulmonary hypertension, primary, 3. Identifiers: Orphanet 422, MedGen C3809192, MONDO:0014135, OMIM 615343.
Partial lipodystrophy, congenital cataracts, and neurodegeneration syndrome (FPLD7). Identifiers: MedGen C3807567, MONDO:0011714, OMIM 606721.
Congenital generalized lipodystrophy type 3 (CGL3). Also called: BERARDINELLI-SEIP CONGENITAL LIPODYSTROPHY, TYPE 3. Identifiers: Orphanet 528, Orphanet 696206, MedGen C2675861, MONDO:0012923, OMIM 612526.

Allele frequency attached by ClinVar (database versions not stated): ExAC 0.00004; gnomAD 0.00004; TOPMed 0.00004.
gnomAD v4.1: 155 of 1,612,096 alleles (0.0096%); highest among the groups gnomAD compares: Middle Eastern, 0.016%; no homozygotes.

Submissions (2):

Labcorp Genetics (formerly Invitae), Labcorp
Classification: Uncertain significance for Pulmonary hypertension, primary, 3. Last evaluated: 2022-06-13. Review status: criteria provided, single submitter. Criteria: Invitae Variant Classification Sherloc (09022015). Collection method: clinical testing. Allele origin: germline.
Comment: Algorithms developed to predict the effect of missense changes on protein structure and function output the following: SIFT: "Deleterious"; PolyPhen-2: "Benign"; Align-GVGD: "Class C0". The histidine amino acid residue is found in multiple mammalian species, which suggests that this missense change does not adversely affect protein function. ClinVar contains an entry for this variant (Variation ID: 650998). This missense change has been observed in individual(s) with sudden unexplained death (PMID: 29231014). This variant is present in population databases (rs772468332, gnomAD 0.007%). This sequence change replaces arginine, which is basic and polar, with histidine, which is basic and polar, at codon 171 of the CAV1 protein (p.Arg171His). In summary, the available evidence is currently insufficient to determine the role of this variant in disease. Therefore, it has been classified as a Variant of Uncertain Significance.

Fulgent Genetics
Classification: Uncertain significance for Partial lipodystrophy, congenital cataracts, and neurodegeneration syndrome; Congenital generalized lipodystrophy type 3; Pulmonary hypertension, primary, 3. Last evaluated: 2021-07-16. Review status: criteria provided, single submitter. Criteria: ACMG Guidelines, 2015. Collection method: clinical testing. Allele origin: unknown.

Literature cited by the submitters: PubMed 29231014 (cited by Labcorp Genetics (formerly Invitae), Labcorp).